The following is an entry in ClinVar:

NM_001032386.2(SUOX):c.1315G>A (p.Glu439Lys)

Gene: SUOX (sulfite oxidase; plus strand). Cytogenetic location: 12q13.2.
Variant type: single nucleotide variant.
Coding change: c.1315G>A on transcript NM_001032386.2 (MANE Select); coding-DNA position 1315, G replaced by A.
Protein change: p.Glu439Lys; replaces glutamic acid 439 with lysine.
Molecular consequence: missense variant.
Genome position (GRCh38, 1-based): chr12:56,004,704, G>A. VCF-style: chr12-56004704-G-A. GRCh37 (hg19) VCF-style: chr12-56398488-G-A.
Other names: c.1315G>A, p.Glu439Lys (NM_000456.3, NM_001032387.2); short protein forms E439K.
Identifiers: ClinVar variation 1384097 (VCV001384097.9), dbSNP rs2136513057, ClinGen allele CA385293379.
Genomic context (GRCh38, chr12:56,004,704, plus strand): 5'-TCCATTCAGGAACTTCCTGTCCAGTCGGCCATCACAGAGCCCCGGGATGGAGAGACTGTA[G>A]AATCAGGGGAGGTGACCATCAAGGGCTATGCATGGAGTGGTGGTGGCAGGGCTGTGATCC-3'
Protein context (NP_001027558.1, residues 429-449): ITEPRDGETV[Glu439Lys]SGEVTIKGYA

ClinVar aggregate classification (germline): Uncertain significance (1 of 4 stars; one submission).

Conditions:
Sulfite oxidase deficiency. Also called: Isolated sulfite oxidase deficiency. Identifiers: Orphanet 833, Orphanet 99731, MedGen C0268624, MONDO:0010089, OMIM 272300, HP:0003643.

gnomAD v4.1: 4 of 1,614,144 alleles (0.00025%); highest among the groups gnomAD compares: Middle Eastern, 0.049%; no homozygotes.

Submission:

Labcorp Genetics (formerly Invitae), Labcorp
Classification: Uncertain significance for Sulfite oxidase deficiency. Last evaluated: 2021-04-02. Review status: criteria provided, single submitter. Criteria: Invitae Variant Classification Sherloc (09022015). Collection method: clinical testing. Allele origin: germline.
Comment: In summary, the available evidence is currently insufficient to determine the role of this variant in disease. Therefore, it has been classified as a Variant of Uncertain Significance. Algorithms developed to predict the effect of missense changes on protein structure and function (SIFT, PolyPhen-2, Align-GVGD) all suggest that this variant is likely to be tolerated, but these predictions have not been confirmed by published functional studies and their clinical significance is uncertain. This variant has not been reported in the literature in individuals with SUOX-related conditions. This variant is not present in population databases (ExAC no frequency). This sequence change replaces glutamic acid with lysine at codon 439 of the SUOX protein (p.Glu439Lys). The glutamic acid residue is moderately conserved and there is a small physicochemical difference between glutamic acid and lysine.